The following is an entry in ClinVar:

ClinVar aggregate classification (germline): Likely pathogenic (1 of 4 stars; one submission).

Submission:

Mayo Clinic Laboratories, Mayo Clinic
Classification: Likely pathogenic. Last evaluated: 2022-03-31. Review status: criteria provided, single submitter. Criteria: ACMG Guidelines, 2015. Collection method: clinical testing. Allele origin: germline. Observed: 1 variant allele.
Comment: PP4, PM2_moderate, PVS1_strong

Literature cited by the submitters: PubMed 9792863.

NM_000374.5(UROD):c.636+1G>T

Gene: UROD (uroporphyrinogen decarboxylase; plus strand). Cytogenetic location: 1p34.1.
Variant type: single nucleotide variant.
Coding change: c.636+1G>T on transcript NM_000374.5 (MANE Select); the canonical splice donor site of the intron after coding-DNA position 636, G replaced by T.
Molecular consequence: splice donor variant.
Genome position (GRCh38, 1-based): chr1:45,014,071, G>T. VCF-style: chr1-45014071-G-T. GRCh37 (hg19) VCF-style: chr1-45479743-G-T.
Identifiers: ClinVar variation 4541076 (VCV004541076.1).